The following is an entry in ClinVar:

NM_000138.5(FBN1):c.5412G>A (p.Leu1804=)

Gene: FBN1 (fibrillin 1; minus strand). Cytogenetic location: 15q21.1.
Variant type: single nucleotide variant.
Coding change: c.5412G>A on transcript NM_000138.5 (MANE Select); coding-DNA position 5412, G replaced by A.
Protein change: p.Leu1804=; no amino-acid change (leucine 1804 retained).
Molecular consequence: synonymous variant.
Genome position (GRCh38, 1-based): chr15:48,456,647, C>T on the plus strand (G>A on the coding strand, the complement: FBN1 is on the minus strand). VCF-style: chr15-48456647-C-T. GRCh37 (hg19) VCF-style: chr15-48748844-C-T.
Other names: c.5412G>A, p.Leu1804= (NM_001406716.1).
Identifiers: ClinVar variation 3072333 (VCV003072333.3), dbSNP rs1384212101, ClinGen allele CA490023940.

ClinVar aggregate classification (germline): Likely benign. Review status: criteria provided, multiple submitters, no conflicts (2 of 4 stars). 2 submissions from 2 submitters: Likely benign (2). Last evaluated 2024-03-07.

Conditions:
Marfan syndrome (MFS). Also called: MARFAN SYNDROME, TYPE I; Marfan syndrome type 1; Marfan's syndrome; Marfan syndrome, classic; FBN1-Related Marfan Syndrome. Identifiers: Orphanet 284963, Orphanet 558, MedGen C0024796, MONDO:0007947, OMIM 154700.
Familial thoracic aortic aneurysm and aortic dissection (TAAD). Also called: Thoracic aortic aneurysms and dissections. Identifiers: Orphanet 91387, MedGen C4707243, MONDO:0019625.

Allele frequency attached by ClinVar (database versions not stated): TOPMed below 0.00001; gnomAD exomes below 0.00001.
gnomAD v4.1: 5 of 1,613,842 alleles (0.00031%); highest among the groups gnomAD compares: South Asian, 0.0011%; no homozygotes.

Submissions (2):

Labcorp Genetics (formerly Invitae), Labcorp
Classification: Likely benign for Marfan syndrome; Familial thoracic aortic aneurysm and aortic dissection. Last evaluated: 2024-03-07. Review status: criteria provided, single submitter. Criteria: Invitae Variant Classification Sherloc (09022015). Collection method: clinical testing. Allele origin: germline.

All of Us Research Program, National Institutes of Health
Classification: Likely benign for Marfan syndrome. Last evaluated: 2023-07-10. Review status: criteria provided, single submitter. Criteria: ACMG Guidelines, 2015. Collection method: clinical testing. Allele origin: germline. Inheritance: Autosomal dominant inheritance. Observed: 1 variant allele, 1 heterozygote.
Comment: This study involves interpretation of variants in research participants for the purpose of population health screening. Participant phenotype was not available at the time of variant classification. Additional details can be found in publication PMID: 35346344, PMCID: PMC8962531